The following is an entry in ClinVar:

ClinVar aggregate classification (germline): Pathogenic (1 of 4 stars; one submission).

Submission:

Labcorp Genetics (formerly Invitae), Labcorp
Classification: Pathogenic. Last evaluated: 2024-01-29. Review status: criteria provided, single submitter. Criteria: Invitae Variant Classification Sherloc (09022015). Collection method: clinical testing. Allele origin: germline.
Comment: This sequence change creates a premature translational stop signal (p.Glu882Lysfs*66) in the ADAMTSL4 gene. It is expected to result in an absent or disrupted protein product. Loss-of-function variants in ADAMTSL4 are known to be pathogenic (PMID: 20564469, 28642162). This variant is not present in population databases (gnomAD no frequency). This variant has not been reported in the literature in individuals affected with ADAMTSL4-related conditions. For these reasons, this variant has been classified as Pathogenic.

Literature cited by the submitters: PubMed 20564469; PubMed 28642162.

NM_019032.6(ADAMTSL4):c.2644del (p.Glu882fs)

Gene: ADAMTSL4 (ADAMTS like 4; plus strand). Cytogenetic location: 1q21.2.
Variant type: Deletion.
Coding change: c.2644del on transcript NM_019032.6 (MANE Select); coding-DNA position 2644, one base deleted (G; older notation c.2644delG).
Protein change: p.Glu882fs; shifts the reading frame from glutamic acid 882.
Molecular consequence: frameshift variant.
Genome position (GRCh38, 1-based): chr1:150,559,046, G deleted; the last of 5 consecutive G bases (chr1:150,559,042-150,559,046); deleting any one gives the same sequence. VCF-style (leftmost placement, unchanged base first): chr1-150559041-AG-A. GRCh37 (hg19) VCF-style: chr1-150531517-AG-A.
Other names: c.2527del, p.Glu843fs (NM_001288607.2); c.2713del, p.Glu905fs (NM_001288608.2); c.2644del, p.Glu882fs (NM_001378596.1); short protein forms E843fs, E882fs, E905fs.
Identifiers: ClinVar variation 3637342 (VCV003637342.2).